The following is an entry in ClinVar:

ClinVar aggregate classification (germline): Pathogenic (1 of 4 stars; one submission).

Conditions:
Hereditary cancer-predisposing syndrome. Also called: Hereditary neoplastic syndrome; Neoplastic Syndromes, Hereditary; Tumor predisposition; Hereditary Cancer Syndrome. Identifiers: Orphanet 140162, MedGen C0027672, MeSH D009386, MONDO:0015356.

Submission:

Ambry Genetics
Classification: Pathogenic for Hereditary cancer-predisposing syndrome. Last evaluated: 2025-02-10. Review status: criteria provided, single submitter. Criteria: Ambry Variant Classification Scheme 2023. Collection method: clinical testing. Allele origin: germline.
Comment: The p.Y297* pathogenic mutation (also known as c.891T>G), located in coding exon 7 of the CHEK2 gene, results from a T to G substitution at nucleotide position 891. This changes the amino acid from a tyrosine to a stop codon within coding exon 7. This alteration is expected to result in loss of function by premature protein truncation or nonsense-mediated mRNA decay. As such, this alteration is interpreted as a disease-causing mutation.

NM_007194.4(CHEK2):c.891T>G (p.Tyr297Ter)

Gene: CHEK2 (checkpoint kinase 2; minus strand). Cytogenetic location: 22q12.1.
Variant type: single nucleotide variant.
Coding change: c.891T>G on transcript NM_007194.4 (MANE Select); coding-DNA position 891, T replaced by G.
Protein change: p.Tyr297Ter; replaces tyrosine 297 with a stop codon.
Molecular consequence: nonsense.
Genome position (GRCh38, 1-based): chr22:28,703,522, A>C on the plus strand (T>G on the coding strand, the complement: CHEK2 is on the minus strand). VCF-style: chr22-28703522-A-C. GRCh37 (hg19) VCF-style: chr22-29099510-A-C.
Other names: c.1020T>G, p.Tyr340Ter (NM_001005735.3); c.228T>G, p.Tyr76Ter (NM_001257387.3); c.690T>G, p.Tyr230Ter (NM_001349956.3); c.891T>G, p.Tyr297Ter (NM_145862.3); short protein forms Y230*, Y76*, Y297*, Y340*.
Identifiers: ClinVar variation 3832945 (VCV003832945.1).
Genomic context (GRCh38, chr22:28,703,522, plus strand): 5'-CATTTGAATGGAAACAGAAATTTTTAAAAAGTTTACTACTTACAATTCCAAAACAATATA[A>C]TAATCTTCTGCATCAAAAAAGTTTTTAATCTTGATGATGCAAGGCTAAGAAGAGGGGGAG-3'